The following is an entry in ClinVar:

ClinVar aggregate classification (germline): Likely pathogenic (1 of 4 stars; one submission).

gnomAD v4.1: 3 of 1,392,568 alleles (0.00022%); highest among the groups gnomAD compares: Non-Finnish European, 0.00029%; no homozygotes.

Submissions (3):

Labcorp Genetics (formerly Invitae), Labcorp
Classification: Likely pathogenic. Last evaluated: 2026-01-27. Review status: criteria provided, single submitter. Criteria: Invitae Variant Classification Sherloc (09022015). Collection method: clinical testing. Allele origin: germline.
Comment: This sequence change affects a donor splice site in intron 3 of the LYRM7 gene. It is expected to disrupt RNA splicing. Variants that disrupt the donor or acceptor splice site typically lead to a loss of protein function (PMID: 16199547), and loss-of-function variants in LYRM7 are known to be pathogenic (PMID: 26912632). This variant is not present in population databases (gnomAD no frequency). This variant has not been reported in the literature in individuals affected with LYRM7-related conditions. Algorithms developed to predict the effect of sequence changes on RNA splicing suggest that this variant may disrupt the consensus splice site. In summary, the currently available evidence indicates that the variant is pathogenic, but additional data are needed to prove that conclusively. Therefore, this variant has been classified as Likely Pathogenic.

Dr. Peter K. Rogan Lab, Western University
No classification provided (evidence only). Condition: Sarcoma. Review status: no classification provided. Collection method: in vitro. Allele origin: not applicable. Functional consequence: skipped exon. Not counted in ClinVar's aggregate classification.

Dr. Peter K. Rogan Lab, Western University
No classification provided (evidence only). Condition: Ovarian cancer. Review status: no classification provided. Collection method: in vitro. Allele origin: not applicable. Functional consequence: skipped exon. Not counted in ClinVar's aggregate classification.

Literature cited by the submitters: PubMed 16199547 (cited by Labcorp Genetics (formerly Invitae), Labcorp); PubMed 26912632 (cited by Labcorp Genetics (formerly Invitae), Labcorp).

NM_181705.4(LYRM7):c.162+1G>A

Gene: LYRM7 (LYR motif containing 7; plus strand). Cytogenetic location: 5q23.3.
Variant type: single nucleotide variant.
Coding change: c.162+1G>A on transcript NM_181705.4 (MANE Select); the canonical splice donor site of the intron after coding-DNA position 162, G replaced by A.
Molecular consequence: splice donor variant.
Genome position (GRCh38, 1-based): chr5:131,182,300, G>A. VCF-style: chr5-131182300-G-A. GRCh37 (hg19) VCF-style: chr5-130517993-G-A.
Other names: NC_000005.9:g.130517993G>A; c.162+1G>A (NM_001293735.2).
Identifiers: ClinVar variation 4310640 (VCV004310640.2).